The following is an entry in ClinVar:

NM_000096.4(CP):c.2078-75_2241del

Gene: CP (ceruloplasmin; minus strand). Cytogenetic location: 3q24.
Variant type: Deletion.
Coding change: c.2078-75_2241del on transcript NM_000096.4 (MANE Select); 75 bases into the intron before coding-DNA position 2078 through coding-DNA position 2241, 239 bases deleted.
Molecular consequence: splice acceptor variant.
Genome position (GRCh38, 1-based): chr3:149,185,283-149,185,521, 239 bases deleted. GRCh37 (hg19): chr3:148,903,072-148,903,310.
Identifiers: ClinVar variation 2834328 (VCV002834328.3), dbSNP rs2472761454, ClinGen allele CA2739278994.

ClinVar aggregate classification (germline): Likely pathogenic (1 of 4 stars; one submission).

Conditions:
Deficiency of ferroxidase (ACEP). Also called: Aceruloplasminemia; Ceruloplasmin deficiency; Familial apoceruloplasmin deficiency; Hereditary ceruloplasmin deficiency; NEURODEGENERATION WITH BRAIN IRON ACCUMULATION 10; Deficiency of ceruloplasmin. Identifiers: Orphanet 48818, MedGen C0878682, MONDO:0011426, OMIM 604290, HP:0025498.

Submission:

Labcorp Genetics (formerly Invitae), Labcorp
Classification: Likely pathogenic for Deficiency of ferroxidase. Last evaluated: 2023-02-03. Review status: criteria provided, single submitter. Criteria: Invitae Variant Classification Sherloc (09022015). Collection method: clinical testing. Allele origin: germline.
Comment: This variant results in the deletion of part of exon 12 (c.2078-75_2241del) of the CP gene. It is expected to disrupt RNA splicing. Variants that disrupt the donor or acceptor splice site typically lead to a loss of protein function (PMID: 16199547), and loss-of-function variants in CP are known to be pathogenic (PMID: 16629161). This variant is not present in population databases (gnomAD no frequency). This variant has not been reported in the literature in individuals affected with CP-related conditions. Algorithms developed to predict the effect of sequence changes on RNA splicing suggest that this variant may disrupt the consensus splice site. In summary, the currently available evidence indicates that the variant is pathogenic, but additional data are needed to prove that conclusively. Therefore, this variant has been classified as Likely Pathogenic.

Literature cited by the submitters: PubMed 16199547; PubMed 16629161.